The following is an entry in ClinVar:

NM_017849.4(TMEM127):c.712C>T (p.Pro238Ser)

Gene: TMEM127 (transmembrane protein 127; minus strand). Cytogenetic location: 2q11.2.
Variant type: single nucleotide variant.
Coding change: c.712C>T on transcript NM_017849.4 (MANE Select); coding-DNA position 712, C replaced by T.
Protein change: p.Pro238Ser; replaces proline 238 with serine.
Molecular consequence: missense variant.
Genome position (GRCh38, 1-based): chr2:96,253,813, G>A on the plus strand (C>T on the coding strand, the complement: TMEM127 is on the minus strand). VCF-style: chr2-96253813-G-A. GRCh37 (hg19) VCF-style: chr2-96919551-G-A.
Other names: c.712C>T (NM_017849.3); c.712C>T, p.Pro238Ser (NM_001193304.3); short protein forms P238S.
Identifiers: ClinVar variation 1511619 (VCV001511619.9), dbSNP rs1184921725, ClinGen allele CA347650846.

ClinVar aggregate classification (germline): Uncertain significance. Review status: criteria provided, multiple submitters, no conflicts (2 of 4 stars). 2 submissions from 2 submitters: Uncertain significance (2). Last evaluated 2024-08-30.

Conditions:
Hereditary cancer-predisposing syndrome. Also called: Tumor predisposition; Hereditary Cancer Syndrome; Hereditary neoplastic syndrome; Neoplastic Syndromes, Hereditary. Identifiers: Orphanet 140162, MedGen C0027672, MeSH D009386, MONDO:0015356.
Hereditary pheochromocytoma and paraganglioma. Also called: Hereditary paragangliomas and pheochromocytomas; Hereditary Paraganglioma-Pheochromocytoma Syndromes; Hereditary pheochromocytoma-paraganglioma. Identifiers: Orphanet 29072, MedGen C4274332, MONDO:0017366.

Submissions (2):

Ambry Genetics
Classification: Uncertain significance for Hereditary cancer-predisposing syndrome. Last evaluated: 2024-08-30. Review status: criteria provided, single submitter. Criteria: Ambry Variant Classification Scheme 2023. Collection method: clinical testing. Allele origin: germline.
Comment: The p.P238S variant (also known as c.712C>T), located in coding exon 3 of the TMEM127 gene, results from a C to T substitution at nucleotide position 712. The proline at codon 238 is replaced by serine, an amino acid with similar properties. This amino acid position is conserved. In addition, this alteration is predicted to be deleterious by in silico analysis. Based on the available evidence, the clinical significance of this variant remains unclear.

Labcorp Genetics (formerly Invitae), Labcorp
Classification: Uncertain significance for Hereditary pheochromocytoma and paraganglioma. Last evaluated: 2021-02-18. Review status: criteria provided, single submitter. Criteria: Invitae Variant Classification Sherloc (09022015). Collection method: clinical testing. Allele origin: germline.
Comment: This sequence change replaces proline with serine at codon 238 of the TMEM127 protein (p.Pro238Ser). The proline residue is highly conserved and there is a moderate physicochemical difference between proline and serine. In summary, the available evidence is currently insufficient to determine the role of this variant in disease. Therefore, it has been classified as a Variant of Uncertain Significance. Algorithms developed to predict the effect of missense changes on protein structure and function (SIFT, PolyPhen-2, Align-GVGD) all suggest that this variant is likely to be disruptive, but these predictions have not been confirmed by published functional studies and their clinical significance is uncertain. This variant has not been reported in the literature in individuals with TMEM127-related conditions. This variant is not present in population databases (ExAC no frequency).